The following is an entry in ClinVar:

NM_000540.3(RYR1):c.13514+1G>A

Gene: RYR1 (ryanodine receptor 1; plus strand). Cytogenetic location: 19q13.2.
Variant type: single nucleotide variant.
Coding change: c.13514+1G>A on transcript NM_000540.3 (MANE Select); the canonical splice donor site of the intron after coding-DNA position 13514, G replaced by A.
Molecular consequence: splice donor variant.
Genome position (GRCh38, 1-based): chr19:38,566,988, G>A. VCF-style: chr19-38566988-G-A. GRCh37 (hg19) VCF-style: chr19-39057628-G-A.
Other names: c.13499+1G>A (NM_001042723.2).
Identifiers: ClinVar variation 4706139 (VCV004706139.1).
Genomic context (GRCh38, chr19:38,566,988, plus strand): 5'-GGAGCTCCCGCCAGAGCCAGAGCCCGAGCCGGAACCAGAGCTGGAGCCGGAGAAAGCCGA[G>A]TGAGTGGCCTTGGGGCTGAGGGGCCTAGCCCCTATCACTGCCTCCCTCCTAGAGTAGGAG-3'

ClinVar aggregate classification (germline): Likely pathogenic (1 of 4 stars; one submission).

Conditions:
RYR1-related disorder. Also called: RYR1-related condition; RYR1-related disorders. Identifiers: MedGen CN239331.

Submission:

Labcorp Genetics (formerly Invitae), Labcorp
Classification: Likely pathogenic for RYR1-related disorder. Last evaluated: 2026-02-01. Review status: criteria provided, single submitter. Criteria: Invitae Variant Classification Sherloc (09022015). Collection method: clinical testing. Allele origin: germline.
Comment: This sequence change affects a donor splice site in intron 92 of the RYR1 gene. It is expected to disrupt RNA splicing. Variants that disrupt the donor or acceptor splice site typically lead to a loss of protein function (PMID: 16199547), and loss-of-function variants in RYR1 are known to be pathogenic (PMID: 23919265, 25960145, 28818389, 30611313). This variant is present in population databases (no rsID available, gnomAD 0.007%). This variant has not been reported in the literature in individuals affected with RYR1-related conditions. Algorithms developed to predict the effect of sequence changes on RNA splicing suggest that this variant may disrupt the consensus splice site. In summary, the currently available evidence indicates that the variant is pathogenic, but additional data are needed to prove that conclusively. Therefore, this variant has been classified as Likely Pathogenic.

Literature cited by the submitters: PubMed 16199547; PubMed 23919265; PubMed 25960145; PubMed 28818389; PubMed 30611313.